The following is an entry in ClinVar:

ClinVar aggregate classification (germline): Uncertain significance (1 of 4 stars; one submission).

Conditions:
Imerslund-Grasbeck syndrome. Also called: PERNICIOUS ANEMIA, JUVENILE, DUE TO SELECTIVE INTESTINAL MALABSORPTION OF VITAMIN B12, WITH PROTEINURIA; Imerslund-Gräsbeck syndrome; ENTEROCYTE COBALAMIN MALABSORPTION; ENTEROCYTE INTRINSIC FACTOR RECEPTOR, DEFECT OF; Megaloblastic anemia due to inborn errors of metabolism. Identifiers: Orphanet 35858, MedGen C4551825, MONDO:0009853.

Submission:

Labcorp Genetics (formerly Invitae), Labcorp
Classification: Uncertain significance for Imerslund-Grasbeck syndrome. Last evaluated: 2022-07-20. Review status: criteria provided, single submitter. Criteria: Invitae Variant Classification Sherloc (09022015). Collection method: clinical testing. Allele origin: germline.
Comment: This variant has not been reported in the literature in individuals affected with CUBN-related conditions. This variant is not present in population databases (gnomAD no frequency). This sequence change falls in intron 51 of the CUBN gene. It does not directly change the encoded amino acid sequence of the CUBN protein. It affects a nucleotide within the consensus splice site. Variants that disrupt the consensus splice site are a relatively common cause of aberrant splicing (PMID: 17576681, 9536098). Algorithms developed to predict the effect of sequence changes on RNA splicing suggest that this variant may create or strengthen a splice site. In summary, the available evidence is currently insufficient to determine the role of this variant in disease. Therefore, it has been classified as a Variant of Uncertain Significance.

Literature cited by the submitters: PubMed 17576681; PubMed 9536098.

NM_001081.4(CUBN):c.8062+3A>G

Gene: CUBN (cubilin; minus strand). Cytogenetic location: 10p13.
Variant type: single nucleotide variant.
Coding change: c.8062+3A>G on transcript NM_001081.4 (MANE Select); 3 bases into the intron after coding-DNA position 8062, A replaced by G.
Molecular consequence: intron variant.
Genome position (GRCh38, 1-based): chr10:16,903,963, T>C on the plus strand (A>G on the coding strand, the complement: CUBN is on the minus strand). VCF-style: chr10-16903963-T-C. GRCh37 (hg19) VCF-style: chr10-16945962-T-C.
Identifiers: ClinVar variation 2018347 (VCV002018347.4), dbSNP rs2491383796, ClinGen allele CA2580081368.